The following is an entry in ClinVar:

NM_001042492.3(NF1):c.1767_1768del (p.Gln589fs)

Gene: NF1 (neurofibromin 1; plus strand). Cytogenetic location: 17q11.2.
Variant type: Deletion.
Coding change: c.1767_1768del on transcript NM_001042492.3 (MANE Select); coding-DNA positions 1767 to 1768, 2 bases deleted (AA; older notation c.1767_1768delAA).
Protein change: p.Gln589fs; shifts the reading frame from glutamine 589.
Molecular consequence: frameshift variant.
Genome position (GRCh38, 1-based): chr17:31,223,489-31,223,490, AA deleted; deleting any 2 consecutive bases within chr17:31,223,488-31,223,490 gives the same sequence; the c. name uses the placement nearest the transcript's 3' end. VCF-style (leftmost placement, unchanged base first): chr17-31223487-CAA-C. GRCh37 (hg19) VCF-style: chr17-29550505-CAA-C.
Other names: c.1767_1768del, p.Gln589fs (NM_000267.4); short protein forms Q589fs.
Identifiers: ClinVar variation 4728433 (VCV004728433.1).

ClinVar aggregate classification (germline): Pathogenic (1 of 4 stars; one submission).

Conditions:
Neurofibromatosis, type 1 (NF1). Also called: VON RECKLINGHAUSEN DISEASE; Peripheral type neurofibromatosis; NEUROFIBROMATOSIS, TYPE I, SOMATIC; Neurofibromatosis, type I. Identifiers: Orphanet 636, MedGen C0027831, MONDO:0018975, OMIM 162200. Disease mechanism: loss of function.

Submission:

Labcorp Genetics (formerly Invitae), Labcorp
Classification: Pathogenic for Neurofibromatosis, type 1. Last evaluated: 2025-10-03. Review status: criteria provided, single submitter. Criteria: Invitae Variant Classification Sherloc (09022015). Collection method: clinical testing. Allele origin: germline.
Comment: This sequence change creates a premature translational stop signal (p.Gln589Hisfs*3) in the NF1 gene. It is expected to result in an absent or disrupted protein product. Loss-of-function variants in NF1 are known to be pathogenic (PMID: 10712197, 23913538). This variant is not present in population databases (gnomAD no frequency). This variant has not been reported in the literature in individuals affected with NF1-related conditions. Algorithms developed to predict the effect of sequence changes on RNA splicing suggest that this variant may disrupt the consensus splice site. For these reasons, this variant has been classified as Pathogenic.

Literature cited by the submitters: PubMed 10712197; PubMed 23913538.